The following is an entry in ClinVar:

ClinVar aggregate classification (germline): Uncertain significance. Review status: criteria provided, multiple submitters, no conflicts (2 of 4 stars). 3 submissions from 3 submitters: Uncertain significance (3). Last evaluated 2025-05-14.

Conditions:
Inborn genetic diseases. Identifiers: MedGen C0950123, MeSH D030342.

Allele frequency attached by ClinVar (database versions not stated): gnomAD 0.00001; gnomAD exomes 0.00001; TOPMed 0.00002; ExAC 0.00004.
gnomAD v4.1: 32 of 1,614,076 alleles (0.002%); highest among the groups gnomAD compares: Middle Eastern, 0.016%; no homozygotes.

Submissions (3):

Labcorp Genetics (formerly Invitae), Labcorp
Classification: Uncertain significance. Last evaluated: 2025-05-14. Review status: criteria provided, single submitter. Criteria: Invitae Variant Classification Sherloc (09022015). Collection method: clinical testing. Allele origin: germline.
Comment: This sequence change replaces arginine, which is basic and polar, with lysine, which is basic and polar, at codon 2641 of the LAMA1 protein (p.Arg2641Lys). This variant is present in population databases (rs766843027, gnomAD 0.006%). This variant has not been reported in the literature in individuals affected with LAMA1-related conditions. ClinVar contains an entry for this variant (Variation ID: 2330586). Invitae Evidence Modeling of protein sequence and biophysical properties (such as structural, functional, and spatial information, amino acid conservation, physicochemical variation, residue mobility, and thermodynamic stability) indicates that this missense variant is not expected to disrupt LAMA1 protein function with a negative predictive value of 80%. In summary, the available evidence is currently insufficient to determine the role of this variant in disease. Therefore, it has been classified as a Variant of Uncertain Significance.

Ambry Genetics
Classification: Uncertain significance for Inborn genetic diseases. Last evaluated: 2022-12-01. Review status: criteria provided, single submitter. Criteria: Ambry Variant Classification Scheme 2023. Collection method: clinical testing. Allele origin: germline.

Blueprint Genetics
Classification: Uncertain significance. Last evaluated: 2022-10-26. Review status: criteria provided, single submitter. Criteria: ACMG Guidelines, 2015. Collection method: clinical testing. Allele origin: germline.

NM_005559.4(LAMA1):c.7922G>A (p.Arg2641Lys)

Gene: LAMA1 (laminin subunit alpha 1; minus strand). Cytogenetic location: 18p11.31.
Variant type: single nucleotide variant.
Coding change: c.7922G>A on transcript NM_005559.4 (MANE Select); coding-DNA position 7922, G replaced by A.
Protein change: p.Arg2641Lys; replaces arginine 2641 with lysine.
Molecular consequence: missense variant.
Genome position (GRCh38, 1-based): chr18:6,958,519, C>T on the plus strand (G>A on the coding strand, the complement: LAMA1 is on the minus strand). VCF-style: chr18-6958519-C-T. GRCh37 (hg19) VCF-style: chr18-6958518-C-T.
Other names: short protein forms R2641K.
Identifiers: ClinVar variation 2330586 (VCV002330586.4), dbSNP rs766843027, ClinGen allele CA8880742.
Genomic context (GRCh38, chr18:6,958,519, plus strand): 5'-GAGAGCAGGTACACTTACTCCAAATTGAAGATCAGGTTTTTGATACAGCCATGGAACGAT[C>T]TTCTCATTGTGAGCAGTGACGTCCCCTCTCCCTCTGGAATTCCCCCGACGTACAGATTGG-3'
Protein context (NP_005550.2, residues 2631-2651): GEGTSLLTMR[Arg2641Lys]SFHGCIKNLI